The following is an entry in ClinVar:

ClinVar aggregate classification (germline): Uncertain significance (1 of 4 stars; one submission).

Submission:

Labcorp Genetics (formerly Invitae), Labcorp
Classification: Uncertain significance. Last evaluated: 2024-09-27. Review status: criteria provided, single submitter. Criteria: Invitae Variant Classification Sherloc (09022015). Collection method: clinical testing. Allele origin: germline.
Comment: This sequence change replaces lysine, which is basic and polar, with glutamic acid, which is acidic and polar, at codon 635 of the ADGRA3 protein (p.Lys635Glu). This variant is not present in population databases (gnomAD no frequency). This variant has not been reported in the literature in individuals affected with ADGRA3-related conditions. An algorithm developed to predict the effect of missense changes on protein structure and function (PolyPhen-2) suggests that this variant is likely to be disruptive. In summary, the available evidence is currently insufficient to determine the role of this variant in disease. Therefore, it has been classified as a Variant of Uncertain Significance.

NM_145290.4(ADGRA3):c.1903A>G (p.Lys635Glu)

Gene: ADGRA3 (adhesion G protein-coupled receptor A3; minus strand). Cytogenetic location: 4p15.2.
Variant type: single nucleotide variant.
Coding change: c.1903A>G on transcript NM_145290.4 (MANE Select); coding-DNA position 1903, A replaced by G.
Protein change: p.Lys635Glu; replaces lysine 635 with glutamic acid.
Molecular consequence: missense variant.
Genome position (GRCh38, 1-based): chr4:22,413,721, T>C on the plus strand (A>G on the coding strand, the complement: ADGRA3 is on the minus strand). VCF-style: chr4-22413721-T-C. GRCh37 (hg19) VCF-style: chr4-22415344-T-C.
Other names: short protein forms K635E.
Identifiers: ClinVar variation 3721603 (VCV003721603.2).